The following is an entry in ClinVar:

NM_001347721.2(DYRK1A):c.2056A>G (p.Asn686Asp)

Gene: DYRK1A (dual specificity tyrosine phosphorylation regulated kinase 1A; plus strand). Cytogenetic location: 21q22.13.
Variant type: single nucleotide variant.
Coding change: c.2056A>G on transcript NM_001347721.2 (MANE Select); coding-DNA position 2056, A replaced by G.
Protein change: p.Asn686Asp; replaces asparagine 686 with aspartic acid.
Molecular consequence: missense variant. On other transcripts: 3 prime UTR variant (2).
Genome position (GRCh38, 1-based): chr21:37,512,322, A>G. VCF-style: chr21-37512322-A-G. GRCh37 (hg19) VCF-style: chr21-38884625-A-G.
Other names: c.2056A>G, p.Asn686Asp (NM_001347722.2, NM_130436.2); c.1969A>G, p.Asn657Asp (NM_001347723.2); c.2083A>G, p.Asn695Asp (NM_001396.5); c.*459A>G (NM_101395.2); c.*368A>G (NM_130438.2); short protein forms N657D, N695D, N686D.
Identifiers: ClinVar variation 4747404 (VCV004747404.1).

ClinVar aggregate classification (germline): Uncertain significance (1 of 4 stars; one submission).

Conditions:
DYRK1A-related intellectual disability syndrome (MRD7). Also called: DYRK1A Syndrome; Intellectual developmental disorder, autosomal dominant 7. Identifiers: Orphanet 464306, MedGen C5568143, MONDO:0013578, OMIM 614104.

Submission:

Labcorp Genetics (formerly Invitae), Labcorp
Classification: Uncertain significance for DYRK1A-related intellectual disability syndrome. Last evaluated: 2025-04-29. Review status: criteria provided, single submitter. Criteria: Invitae Variant Classification Sherloc (09022015). Collection method: clinical testing. Allele origin: germline.
Comment: This sequence change replaces asparagine, which is neutral and polar, with aspartic acid, which is acidic and polar, at codon 695 of the DYRK1A protein (p.Asn695Asp). This variant is not present in population databases (gnomAD no frequency). This variant has not been reported in the literature in individuals affected with DYRK1A-related conditions. Invitae Evidence Modeling of protein sequence and biophysical properties (such as structural, functional, and spatial information, amino acid conservation, physicochemical variation, residue mobility, and thermodynamic stability) indicates that this missense variant is not expected to disrupt DYRK1A protein function with a negative predictive value of 95%. In summary, the available evidence is currently insufficient to determine the role of this variant in disease. Therefore, it has been classified as a Variant of Uncertain Significance.